The following is an entry in ClinVar:

NM_001563.4(IMPG1):c.2083G>A (p.Glu695Lys)

Gene: IMPG1 (interphotoreceptor matrix proteoglycan 1; minus strand). Cytogenetic location: 6q14.1.
Variant type: single nucleotide variant.
Coding change: c.2083G>A on transcript NM_001563.4 (MANE Select); coding-DNA position 2083, G replaced by A.
Protein change: p.Glu695Lys; replaces glutamic acid 695 with lysine.
Molecular consequence: missense variant.
Genome position (GRCh38, 1-based): chr6:75,931,113, C>T on the plus strand (G>A on the coding strand, the complement: IMPG1 is on the minus strand). VCF-style: chr6-75931113-C-T. GRCh37 (hg19) VCF-style: chr6-76640830-C-T.
Other names: c.1849G>A, p.Glu617Lys (NM_001282368.2); short protein forms E695K, E617K.
Identifiers: ClinVar variation 2880782 (VCV002880782.5), dbSNP rs1275683192, ClinGen allele CA364770047.
Genomic context (GRCh38, chr6:75,931,113, plus strand): 5'-CTGGTTTGCAGCGACACTCCGCTTCCTCAGTCCGTTCGTTCTTTACACATTGGGCAAATT[C>T]GCCGCAGGCCAGGAACTTGCAGGGATCTGCTTGATCAGCTGTAAGAAATGGGGCAGATTT-3'
Protein context (NP_001554.2, residues 685-705): ADPCKFLACG[Glu695Lys]FAQCVKNERT

ClinVar aggregate classification (germline): Uncertain significance. Review status: criteria provided, multiple submitters, no conflicts (2 of 4 stars). 3 submissions from 3 submitters: Uncertain significance (3). Last evaluated 2023-11-01.

Conditions:
Retinal dystrophy. Also called: Inherited retinal dystrophy. Identifiers: Orphanet 71862, MedGen C0854723, MeSH D058499, MONDO:0019118, HP:0000556.

Allele frequency attached by ClinVar (database versions not stated): gnomAD exomes 0.00001; TOPMed 0.00001.
gnomAD v4.1: 19 of 1,613,990 alleles (0.0012%); highest among the groups gnomAD compares: East Asian, 0.0067%; no homozygotes.

Submissions (3):

Labcorp Genetics (formerly Invitae), Labcorp
Classification: Uncertain significance. Last evaluated: 2023-11-01. Review status: criteria provided, single submitter. Criteria: Invitae Variant Classification Sherloc (09022015). Collection method: clinical testing. Allele origin: germline.
Comment: This sequence change replaces glutamic acid, which is acidic and polar, with lysine, which is basic and polar, at codon 695 of the IMPG1 protein (p.Glu695Lys). This variant is present in population databases (no rsID available, gnomAD 0.0009%). This variant has not been reported in the literature in individuals affected with IMPG1-related conditions. Algorithms developed to predict the effect of missense changes on protein structure and function output the following: SIFT: "Not Available"; PolyPhen-2: "Benign"; Align-GVGD: "Not Available". The lysine amino acid residue is found in multiple mammalian species, which suggests that this missense change does not adversely affect protein function. In summary, the available evidence is currently insufficient to determine the role of this variant in disease. Therefore, it has been classified as a Variant of Uncertain Significance.

Dept Of Ophthalmology, Nagoya University
Classification: Uncertain significance for Retinal dystrophy. Last evaluated: 2023-10-01. Review status: criteria provided, single submitter. Criteria: Submitter's publication. Collection method: research. Allele origin: germline. Affected: yes.

Blueprint Genetics
Classification: Uncertain significance. Last evaluated: 2023-04-17. Review status: criteria provided, single submitter. Criteria: ACMG Guidelines, 2015. Collection method: clinical testing. Allele origin: germline.